The following is an entry in ClinVar:

NM_001122659.3(EDNRB):c.552_553inv (p.Val185Met)

Genes: EDNRB (endothelin receptor type B; minus strand), EDNRB-AS1 (EDNRB antisense RNA 1; plus strand). Cytogenetic location: 13q22.3.
Variant type: Inversion.
Coding change: c.552_553inv on transcript NM_001122659.3 (MANE Select).
Protein change: p.Val185Met; replaces valine 185 with methionine.
Molecular consequence: missense variant.
Genome position: GRCh38 VCF-style: chr13-77903538-CA-TG. GRCh37 (hg19) VCF-style: chr13-78477673-CA-TG.
Other names: c.552_553inv, p.Val185Met (NM_000115.5, NM_003991.4); c.822_823invTG, p.Val275Met (NM_001201397.2); short protein forms V275M, V185M.
Identifiers: ClinVar variation 2969708 (VCV002969708.3), ClinGen allele CA2740097679.
Genomic context (GRCh38, chr13:77,903,538, plus strand): 5'-TAAATAGAAGCTTCTACCTGTCAATACTCAGAGCACATAGACTCAGCACAGTGATTCCCA[CA>TG]GAGGCTTTCTGTATGAAAGGCACCAGCTTACACATCTCAGCTCCAAATGGCCAGTCCTCT-3'
Protein context (NP_001116131.1, residues 175-195): KLVPFIQKAS[Val185Met]GITVLSLCAL

ClinVar aggregate classification (germline): Uncertain significance (1 of 4 stars; one submission).

Submission:

Labcorp Genetics (formerly Invitae), Labcorp
Classification: Uncertain significance. Last evaluated: 2023-06-15. Review status: criteria provided, single submitter. Criteria: Invitae Variant Classification Sherloc (09022015). Collection method: clinical testing. Allele origin: germline.
Comment: This sequence change replaces valine, which is neutral and non-polar, with methionine, which is neutral and non-polar, at codon 185 of the EDNRB protein (p.Val185Met). This variant is not present in population databases (gnomAD no frequency). This missense change has been observed in individual(s) with clinical features of EDNRB-related conditions (PMID: 14633923, 16944573, 30303587, 30936914, 32747562). This variant is also known as c.823 G > A; p.V275M. ClinVar contains an entry for this variant (Variation ID: 619136). Experimental studies and prediction algorithms are not available or were not evaluated, and the functional significance of this variant is currently unknown. In summary, the available evidence is currently insufficient to determine the role of this variant in disease. Therefore, it has been classified as a Variant of Uncertain Significance.

Literature cited by the submitters: PubMed 14633923; PubMed 16944573; PubMed 30303587; PubMed 30936914; PubMed 32747562.